The following is an entry in ClinVar:

NM_173628.4(DNAH17):c.1265A>G (p.Gln422Arg)

Gene: DNAH17 (dynein axonemal heavy chain 17; minus strand). Cytogenetic location: 17q25.3.
Variant type: single nucleotide variant.
Coding change: c.1265A>G on transcript NM_173628.4 (MANE Select); coding-DNA position 1265, A replaced by G.
Protein change: p.Gln422Arg; replaces glutamine 422 with arginine.
Molecular consequence: missense variant.
Genome position (GRCh38, 1-based): chr17:78,569,185, T>C on the plus strand (A>G on the coding strand, the complement: DNAH17 is on the minus strand). VCF-style: chr17-78569185-T-C. GRCh37 (hg19) VCF-style: chr17-76565267-T-C.
Other names: short protein forms Q422R.
Identifiers: ClinVar variation 3056532 (VCV003056532.2), dbSNP rs61747155, ClinGen allele CA8805250.

ClinVar aggregate classification (germline): Benign (0 of 4 stars; one submission).

Conditions:
DNAH17-related disorder. Also called: DNAH17-related condition.

Allele frequency attached by ClinVar (database versions not stated): gnomAD exomes 0.00130; ExAC 0.00724; gnomAD 0.01419; 1000 Genomes Project 0.01597; TOPMed 0.01601; ESP Exome Variant Server 0.01723; 1000 Genomes Project 30x 0.01827.
gnomAD v4.1: 4,149 of 1,606,158 alleles (0.26%); highest among the groups gnomAD compares: African/African-American, 4.9%; 103 homozygotes.

Submission:

PreventionGenetics, part of Exact Sciences
Classification: Benign for DNAH17-related condition. Last evaluated: 2019-03-04. Review status: no assertion criteria provided. Collection method: clinical testing. Allele origin: germline.
Comment: This variant is classified as benign based on ACMG/AMP sequence variant interpretation guidelines (Richards et al. 2015 PMID: 25741868, with internal and published modifications).